The following is an entry in ClinVar:

ClinVar aggregate classification (germline): Uncertain significance (1 of 4 stars; one submission).

Conditions:
Cardiovascular phenotype. Identifiers: MedGen CN230736.

Submission:

Ambry Genetics
Classification: Uncertain significance for Cardiovascular phenotype. Last evaluated: 2024-04-20. Review status: criteria provided, single submitter. Criteria: Ambry Variant Classification Scheme 2023. Collection method: clinical testing. Allele origin: germline.
Comment: The p.K1947T variant (also known as c.5840A>C), located in coding exon 26 of the APOB gene, results from an A to C substitution at nucleotide position 5840. The lysine at codon 1947 is replaced by threonine, an amino acid with similar properties. This amino acid position is conserved. In addition, this alteration is predicted to be tolerated by in silico analysis. Based on the available evidence, the clinical significance of this variant remains unclear.

NM_000384.3(APOB):c.5840A>C (p.Lys1947Thr)

Gene: APOB (apolipoprotein B; minus strand). Cytogenetic location: 2p24.1.
Variant type: single nucleotide variant.
Coding change: c.5840A>C on transcript NM_000384.3 (MANE Select); coding-DNA position 5840, A replaced by C.
Protein change: p.Lys1947Thr; replaces lysine 1947 with threonine.
Molecular consequence: missense variant.
Genome position (GRCh38, 1-based): chr2:21,011,028, T>G on the plus strand (A>C on the coding strand, the complement: APOB is on the minus strand). VCF-style: chr2-21011028-T-G. GRCh37 (hg19) VCF-style: chr2-21233900-T-G.
Other names: short protein forms K1947T.
Identifiers: ClinVar variation 3307740 (VCV003307740.1).
Genomic context (GRCh38, chr2:21,011,028, plus strand): 5'-TTGTGTTCAAGAGCTGCACTGATGCTTTTCCTAGACACGAGATGATGACTTGTGGAGCCT[T>G]TGTAATCATGAGAGAAAGTAAATGCCAGAGGTTCTGCTTTCAACAGGAATTTGCTATACA-3'
Protein context (NP_000375.3, residues 1937-1957): PLAFTFSHDY[Lys1947Thr]GSTSHHLVSR